The following is an entry in ClinVar:

ClinVar aggregate classification (germline): Uncertain significance (1 of 4 stars; one submission).

Conditions:
Primary ciliary dyskinesia 27. Also called: CILIARY DYSKINESIA, PRIMARY, 27, WITHOUT SITUS INVERSUS. Identifiers: Orphanet 244, MedGen C3809701, MONDO:0014215, OMIM 615504.

Allele frequency attached by ClinVar (database versions not stated): gnomAD 0.00001; gnomAD exomes 0.00001; TOPMed 0.00001.
gnomAD v4.1: 9 of 1,613,774 alleles (0.00056%); highest among the groups gnomAD compares: African/African-American, 0.0013%; no homozygotes.

Submission:

Labcorp Genetics (formerly Invitae), Labcorp
Classification: Uncertain significance for Primary ciliary dyskinesia 27. Last evaluated: 2022-02-09. Review status: criteria provided, single submitter. Criteria: Invitae Variant Classification Sherloc (09022015). Collection method: clinical testing. Allele origin: germline.
Comment: In summary, the available evidence is currently insufficient to determine the role of this variant in disease. Therefore, it has been classified as a Variant of Uncertain Significance. Algorithms developed to predict the effect of missense changes on protein structure and function are either unavailable or do not agree on the potential impact of this missense change (SIFT: "Tolerated"; PolyPhen-2: "Possibly Damaging"; Align-GVGD: "Class C0"). This variant has not been reported in the literature in individuals affected with CCDC65-related conditions. This variant is not present in population databases (gnomAD no frequency). This sequence change replaces isoleucine, which is neutral and non-polar, with phenylalanine, which is neutral and non-polar, at codon 279 of the CCDC65 protein (p.Ile279Phe).

NM_033124.5(DRC2):c.835A>T (p.Ile279Phe)

Gene: DRC2 (dynein regulatory complex subunit 2; plus strand). Cytogenetic location: 12q13.12.
Variant type: single nucleotide variant.
Coding change: c.835A>T on transcript NM_033124.5 (MANE Select); coding-DNA position 835, A replaced by T.
Protein change: p.Ile279Phe; replaces isoleucine 279 with phenylalanine.
Molecular consequence: missense variant.
Genome position (GRCh38, 1-based): chr12:48,918,712, A>T. VCF-style: chr12-48918712-A-T. GRCh37 (hg19) VCF-style: chr12-49312495-A-T.
Other names: c.406A>T, p.Ile136Phe (NM_001286957.2); short protein forms I279F, I136F.
Identifiers: ClinVar variation 2137564 (VCV002137564.3), dbSNP rs918765880, ClinGen allele CA236605307.